The following is an entry in ClinVar:

NM_000860.6(HPGD):c.92A>G (p.Lys31Arg)

Gene: HPGD (15-hydroxyprostaglandin dehydrogenase; minus strand). Cytogenetic location: 4q34.1.
Variant type: single nucleotide variant.
Coding change: c.92A>G on transcript NM_000860.6 (MANE Select); coding-DNA position 92, A replaced by G.
Protein change: p.Lys31Arg; replaces lysine 31 with arginine.
Molecular consequence: missense variant. On other transcripts: 5 prime UTR variant (1), intron variant (1).
Genome position (GRCh38, 1-based): chr4:174,522,360, T>C on the plus strand (A>G on the coding strand, the complement: HPGD is on the minus strand). VCF-style: chr4-174522360-T-C. GRCh37 (hg19) VCF-style: chr4-175443511-T-C.
Other names: c.92A>G, p.Lys31Arg (NM_001145816.3, NM_001256305.2, NM_001256306.2 and 1 more transcripts); c.-165A>G (NM_001256307.2); c.-271+264A>G (NM_001256301.1); short protein forms K31R.
Identifiers: ClinVar variation 1405970 (VCV001405970.7), dbSNP rs536818204, ClinGen allele CA3142414.
Genomic context (GRCh38, chr4:174,522,360, plus strand): 5'-CGGGGCGAGTCTCGGAGTGTGTGGGCAGAGAAATTTCCGCGGCTGGGCGCCGGGCTTACC[T>C]TGGCGCCCTTAAGCAGCAGCGCCTCTGCAAAGGCTCTGCCTATGCCCTGAGCCGCGCCGG-3'
Protein context (NP_000851.2, residues 21-41): FAEALLLKGA[Lys31Arg]VALVDWNLEA

ClinVar aggregate classification (germline): Uncertain significance (1 of 4 stars; one submission).

Allele frequency attached by ClinVar (database versions not stated): gnomAD 0.00003; gnomAD exomes 0.00003; ExAC 0.00022; 1000 Genomes Project 30x 0.00047; 1000 Genomes Project 0.00060.
gnomAD v4.1: 30 of 1,560,708 alleles (0.0019%); highest among the groups gnomAD compares: Middle Eastern, 0.039%; no homozygotes.

Submission:

Labcorp Genetics (formerly Invitae), Labcorp
Classification: Uncertain significance. Last evaluated: 2022-06-20. Review status: criteria provided, single submitter. Criteria: Invitae Variant Classification Sherloc (09022015). Collection method: clinical testing. Allele origin: germline.
Comment: In summary, the available evidence is currently insufficient to determine the role of this variant in disease. Therefore, it has been classified as a Variant of Uncertain Significance. Algorithms developed to predict the effect of sequence changes on RNA splicing suggest that this variant may create or strengthen a splice site. Algorithms developed to predict the effect of missense changes on protein structure and function (SIFT, PolyPhen-2, Align-GVGD) all suggest that this variant is likely to be tolerated. This variant has not been reported in the literature in individuals affected with HPGD-related conditions. This variant is present in population databases (rs536818204, gnomAD 0.02%). This sequence change replaces lysine, which is basic and polar, with arginine, which is basic and polar, at codon 31 of the HPGD protein (p.Lys31Arg).